The following is an entry in ClinVar:

NM_000334.4(SCN4A):c.4349T>G (p.Ile1450Ser)

Genes: GH-LCR (growth hormone locus control region; plus strand), SCN4A (sodium voltage-gated channel alpha subunit 4; minus strand). Cytogenetic location: 17q23.3.
Variant type: single nucleotide variant.
Coding change: c.4349T>G on transcript NM_000334.4 (MANE Select); coding-DNA position 4349, T replaced by G.
Protein change: p.Ile1450Ser; replaces isoleucine 1450 with serine.
Molecular consequence: missense variant.
Genome position (GRCh38, 1-based): chr17:63,941,933, A>C on the plus strand (T>G on the coding strand, the complement: SCN4A is on the minus strand). VCF-style: chr17-63941933-A-C. GRCh37 (hg19) VCF-style: chr17-62019293-A-C.
Other names: short protein forms I1450S.
Identifiers: ClinVar variation 4747001 (VCV004747001.1).

ClinVar aggregate classification (germline): Uncertain significance (1 of 4 stars; one submission).

Conditions:
Hyperkalemic periodic paralysis. Also called: Familial hyperkalemic periodic paralysis; Gamstorp disease. Identifiers: Orphanet 682, MedGen C0238357, MONDO:0008224, OMIM 170500, HP:0007215.

gnomAD v4.1: 3 of 1,608,724 alleles (0.00019%); highest among the groups gnomAD compares: Non-Finnish European, 0.00026%; no homozygotes.

Submission:

Labcorp Genetics (formerly Invitae), Labcorp
Classification: Uncertain significance for Hyperkalemic periodic paralysis. Last evaluated: 2025-07-10. Review status: criteria provided, single submitter. Criteria: Invitae Variant Classification Sherloc (09022015). Collection method: clinical testing. Allele origin: germline.
Comment: This sequence change replaces isoleucine, which is neutral and non-polar, with serine, which is neutral and polar, at codon 1450 of the SCN4A protein (p.Ile1450Ser). This variant is not present in population databases (gnomAD no frequency). This variant has not been reported in the literature in individuals affected with SCN4A-related conditions. Invitae Evidence Modeling of protein sequence and biophysical properties (such as structural, functional, and spatial information, amino acid conservation, physicochemical variation, residue mobility, and thermodynamic stability) indicates that this missense variant is expected to disrupt SCN4A protein function with a positive predictive value of 80%. In summary, the available evidence is currently insufficient to determine the role of this variant in disease. Therefore, it has been classified as a Variant of Uncertain Significance.